The following is an entry in ClinVar:

NM_030665.4(RAI1):c.585C>T (p.Asn195=)

Gene: RAI1 (retinoic acid induced 1; plus strand). Cytogenetic location: 17p11.2.
Variant type: single nucleotide variant.
Coding change: c.585C>T on transcript NM_030665.4 (MANE Select); coding-DNA position 585, C replaced by T.
Protein change: p.Asn195=; no amino-acid change (asparagine 195 retained).
Molecular consequence: synonymous variant.
Genome position (GRCh38, 1-based): chr17:17,793,533, C>T. VCF-style: chr17-17793533-C-T. GRCh37 (hg19) VCF-style: chr17-17696847-C-T.
Identifiers: ClinVar variation 1220243 (VCV001220243.36), dbSNP rs772210966, ClinGen allele CA8418156.
Genomic context (GRCh38, chr17:17,793,533, plus strand): 5'-GCCACCGCCGCCCCAGCAGCCCCTGGCATACCCCAAGCTCCAAAGGCAGAAGCTGCAGAA[C>T]GACATTGCCTCCCCTCTGCCCTTCCCCCAGGGTACCCACTTTCCTCAGCATTCCCAGTCC-3'
Protein context (NP_109590.3, residues 185-205): YPKLQRQKLQ[Asn195=]DIASPLPFPQ

ClinVar aggregate classification (germline): Benign/Likely benign. Review status: criteria provided, multiple submitters, no conflicts (2 of 4 stars). 5 submissions from 5 submitters: Benign (1); Likely benign (3). 1 of the submissions does not count toward it. Last evaluated 2025-10-16.

Conditions:
Inborn genetic diseases. Identifiers: MedGen C0950123, MeSH D030342.
RAI1-related disorder. Also called: RAI1-related condition.

Allele frequency attached by ClinVar (database versions not stated): gnomAD 0.00002; TOPMed 0.00003; gnomAD exomes 0.00004 and 0.00008; ExAC 0.00009.
gnomAD v4.1: 61 of 1,613,916 alleles (0.0038%); highest among the groups gnomAD compares: East Asian, 0.0067%; no homozygotes.

Submissions (5):

Labcorp Genetics (formerly Invitae), Labcorp
Classification: Likely benign. Last evaluated: 2025-10-16. Review status: criteria provided, single submitter. Criteria: Invitae Variant Classification Sherloc (09022015). Collection method: clinical testing. Allele origin: germline.

CeGaT Center for Human Genetics Tuebingen
Classification: Likely benign. Last evaluated: 2022-05-01. Review status: criteria provided, single submitter. Criteria: CeGaT Center For Human Genetics Tuebingen Variant Classification Criteria Version 2. Collection method: clinical testing. Allele origin: germline. Affected: yes. Observed: 1 variant allele.
Comment: RAI1: BP4, BP7

Ambry Genetics
Classification: Benign for Inborn genetic diseases. Last evaluated: 2019-05-31. Review status: criteria provided, single submitter. Criteria: Ambry Variant Classification Scheme 2023. Collection method: clinical testing. Allele origin: germline.

GeneDx
Classification: Likely benign. Last evaluated: 2018-11-27. Review status: criteria provided, single submitter. Criteria: GeneDx Variant Classification Process June 2021. Collection method: clinical testing. Allele origin: germline. Affected: yes.

PreventionGenetics, part of Exact Sciences
Classification: Likely benign for RAI1-related condition. Last evaluated: 2021-09-14. Review status: no assertion criteria provided. Collection method: clinical testing. Allele origin: germline. Not counted in ClinVar's aggregate classification.
Comment: This variant is classified as likely benign based on ACMG/AMP sequence variant interpretation guidelines (Richards et al. 2015 PMID: 25741868, with internal and published modifications).